The following is an entry in ClinVar:

ClinVar aggregate classification (germline): Uncertain significance. Review status: criteria provided, multiple submitters, no conflicts (2 of 4 stars). 2 submissions from 2 submitters: Uncertain significance (2). Last evaluated 2024-05-23.

Conditions:
Brain small vessel disease 1 with or without ocular anomalies (BSVD1). Also called: PORENCEPHALY, TYPE 1, AUTOSOMAL DOMINANT; GOULD SYNDROME 1; BRAIN SMALL VESSEL DISEASE WITH HEMORRHAGE; Brain small vessel disease with or without ocular anomalies. Identifiers: Orphanet 2940, Orphanet 36383, Orphanet 99810, MedGen C4755307, MONDO:0008289, OMIM 175780.
Microangiopathy and leukoencephalopathy, pontine, autosomal dominant. Also called: DEMENTIA, HEREDITARY MULTI-INFARCT, SWEDISH TYPE; Pontine autosomal dominant microangiopathy with leukoencephalopathy. Identifiers: Orphanet 477749, MedGen C5231411, MONDO:0032814, OMIM 618564.
Hemorrhage, intracerebral, susceptibility to (ICH). Also called: Stroke, hemorrhagic, susceptibility to. Identifiers: MedGen C3281105, MONDO:0100533, OMIM 614519.
Retinal arterial tortuosity. Also called: Retinal arteries, tortuosity of; RETINAL HEMORRHAGE WITH VASCULAR TORTUOSITY. Identifiers: Orphanet 75326, MedGen C0423401, MONDO:0008373, OMIM 180000, HP:0000631.
Autosomal dominant familial hematuria-retinal arteriolar tortuosity-contractures syndrome. Also called: Angiopathy, hereditary, with nephropathy, aneurysms, and muscle cramps; Hereditary Angiopathy with Nephropathy, Aneurysms, and Muscle Cramps (HANAC) Syndrome. Identifiers: Orphanet 73229, MedGen C2673195, MONDO:0012726, OMIM 611773.

Allele frequency attached by ClinVar (database versions not stated): ExAC 0.00001; gnomAD exomes 0.00001; gnomAD 0.00002; TOPMed 0.00003.

Submissions (2):

Fulgent Genetics
Classification: Uncertain significance for Brain small vessel disease 1 with or without ocular anomalies; Retinal arterial tortuosity; Autosomal dominant familial hematuria-retinal arteriolar tortuosity-contractures syndrome; Hemorrhage, intracerebral, susceptibility to; Microangiopathy and leukoencephalopathy, pontine, autosomal dominant. Last evaluated: 2024-05-23. Review status: criteria provided, single submitter. Criteria: ACMG Guidelines, 2015. Collection method: clinical testing. Allele origin: germline.

Labcorp Genetics (formerly Invitae), Labcorp
Classification: Uncertain significance. Last evaluated: 2023-07-11. Review status: criteria provided, single submitter. Criteria: Invitae Variant Classification Sherloc (09022015). Collection method: clinical testing. Allele origin: germline.
Comment: This variant has not been reported in the literature in individuals affected with COL4A1-related conditions. In summary, the available evidence is currently insufficient to determine the role of this variant in disease. Therefore, it has been classified as a Variant of Uncertain Significance. Experimental studies and prediction algorithms are not available or were not evaluated, and the functional significance of this variant is currently unknown. This variant is present in population databases (rs746214718, gnomAD 0.0009%). This sequence change replaces valine, which is neutral and non-polar, with methionine, which is neutral and non-polar, at codon 1476 of the COL4A1 protein (p.Val1476Met).

NM_001845.6(COL4A1):c.4426G>A (p.Val1476Met)

Gene: COL4A1 (collagen type IV alpha 1 chain; minus strand). Cytogenetic location: 13q34.
Variant type: single nucleotide variant.
Coding change: c.4426G>A on transcript NM_001845.6 (MANE Select); coding-DNA position 4426, G replaced by A.
Protein change: p.Val1476Met; replaces valine 1476 with methionine.
Molecular consequence: missense variant.
Genome position (GRCh38, 1-based): chr13:110,162,266, C>T on the plus strand (G>A on the coding strand, the complement: COL4A1 is on the minus strand). VCF-style: chr13-110162266-C-T. GRCh37 (hg19) VCF-style: chr13-110814613-C-T.
Other names: short protein forms V1476M.
Identifiers: ClinVar variation 2712339 (VCV002712339.4), dbSNP rs746214718, ClinGen allele CA7046941.